The following is an entry in ClinVar:

ClinVar aggregate classification (germline): Uncertain significance (1 of 4 stars; one submission).

Conditions:
Hereditary cancer-predisposing syndrome. Also called: Neoplastic Syndromes, Hereditary; Tumor predisposition; Hereditary Cancer Syndrome; Hereditary neoplastic syndrome. Identifiers: Orphanet 140162, MedGen C0027672, MeSH D009386, MONDO:0015356.

Allele frequency attached by ClinVar (database versions not stated): gnomAD exomes below 0.00001.
gnomAD v4.1: 1 of 1,613,906 alleles (0.000062%); highest among the groups gnomAD compares: Non-Finnish European, 0.000085%; no homozygotes.

Submission:

Color Diagnostics, LLC DBA Color Health
Classification: Uncertain significance for Hereditary cancer-predisposing syndrome. Last evaluated: 2024-03-07. Review status: criteria provided, single submitter. Criteria: ACMG Guidelines, 2015. Collection method: clinical testing. Allele origin: germline.
Comment: This missense variant replaces glutamine with arginine at codon 1935 of the APC protein. Computational prediction suggests that this variant may not impact protein structure and function (internally defined REVEL score threshold <= 0.5, PMID: 27666373). To our knowledge, functional studies have not been reported for this variant. This variant has not been reported in individuals affected with hereditary cancer in the literature. This variant has been identified in 1/250002 chromosomes in the general population by the Genome Aggregation Database (gnomAD). The available evidence is insufficient to determine the role of this variant in disease conclusively. Therefore, this variant is classified as a Variant of Uncertain Significance.

NM_000038.6(APC):c.5804A>G (p.Gln1935Arg)

Gene: APC (APC regulator of Wnt signaling pathway; plus strand). Cytogenetic location: 5q22.2.
Variant type: single nucleotide variant.
Coding change: c.5804A>G on transcript NM_000038.6 (MANE Select); coding-DNA position 5804, A replaced by G.
Protein change: p.Gln1935Arg; replaces glutamine 1935 with arginine.
Molecular consequence: missense variant. On other transcripts: non-coding transcript variant (2).
Genome position (GRCh38, 1-based): chr5:112,841,398, A>G. VCF-style: chr5-112841398-A-G. GRCh37 (hg19) VCF-style: chr5-112177095-A-G.
Other names: c.5555A>G, p.Gln1852Arg (NM_001407455.1, NM_001407456.1, NM_001407457.1 and 1 more transcripts); c.5501A>G, p.Gln1834Arg (NM_001407458.1, NM_001407459.1, NM_001407460.1 and 1 more transcripts); c.5417A>G, p.Gln1806Arg (NM_001407467.1, NM_001407469.1); c.4955A>G, p.Gln1652Arg (NM_001407470.1, NM_001354906.2); c.4652A>G, p.Gln1551Arg (NM_001407471.1, NM_001407472.1); c.5804A>G, p.Gln1935Arg (NM_001127510.3, NM_001354895.2, NM_001407450.1); c.5750A>G, p.Gln1917Arg (NM_001127511.3); c.5858A>G, p.Gln1953Arg (NM_001354896.2, NM_001407447.1, NM_001407448.1 and 1 more transcripts); and 11 more; short protein forms Q1775R, Q1809R, Q1834R, Q1876R, Q1907R, Q1953R, Q1551R, Q1852R.
Identifiers: ClinVar variation 2775374 (VCV002775374.2), dbSNP rs1346125460, ClinGen allele CA16034028.